The following is an entry in ClinVar:

NM_001040142.2(SCN2A):c.452del (p.Pro151fs)

Gene: SCN2A (sodium voltage-gated channel alpha subunit 2; plus strand). Cytogenetic location: 2q24.3.
Variant type: Deletion.
Coding change: c.452del on transcript NM_001040142.2 (MANE Select); coding-DNA position 452, one base deleted (C; older notation c.452delC).
Protein change: p.Pro151fs; shifts the reading frame from proline 151.
Molecular consequence: frameshift variant.
Genome position (GRCh38, 1-based): chr2:165,307,913, C deleted; the last of 3 consecutive C bases (chr2:165,307,911-165,307,913); deleting any one gives the same sequence. VCF-style (leftmost placement, unchanged base first): chr2-165307910-AC-A. GRCh37 (hg19) VCF-style: chr2-166164420-AC-A.
Other names: c.452del, p.Pro151fs (NM_001371246.1, NM_001371247.1, NM_021007.3 and 1 more transcripts); short protein forms P151fs.
Identifiers: ClinVar variation 975858 (VCV000975858.2), dbSNP rs1697224468, ClinGen allele CA1139657323.

ClinVar aggregate classification (germline): Pathogenic. Review status: criteria provided, single submitter (1 of 4 stars). 2 submissions from 1 submitter: Pathogenic (2). Last evaluated 2020-08-03.

Conditions:
Intellectual disability. Also called: intellectual disabilities; Intellectual developmental disorder; Intellectual functioning disability. Identifiers: MedGen C3714756, MeSH D008607, MONDO:0001071, HP:0001249.
Developmental and epileptic encephalopathy, 11 (DEE11). Also called: Early infantile epileptic encephalopathy 11. Identifiers: Orphanet 1934, MedGen C3150987, MONDO:0013388, OMIM 613721.

Submissions (2):

Institute of Human Genetics, University of Leipzig Medical Center
Classification: Pathogenic for Intellectual disability. Last evaluated: 2020-08-03. Review status: criteria provided, single submitter. Criteria: ACMG Guidelines, 2015. Collection method: clinical testing. Allele origin: de novo. Affected: yes.

Institute of Human Genetics, University of Leipzig Medical Center
Classification: Pathogenic for Developmental and epileptic encephalopathy, 11. Last evaluated: 2019-06-11. Review status: criteria provided, single submitter. Criteria: ACMG Guidelines, 2015. Collection method: clinical testing. Allele origin: de novo. Affected: yes. Observed: 1 variant allele.
Comment: This variant was identified as de novo (maternity and paternity confirmed).